The following is an entry in ClinVar:

NM_021971.4(GMPPB):c.948G>C (p.Gln316His)

Gene: GMPPB (GDP-mannose pyrophosphorylase B; minus strand). Cytogenetic location: 3p21.31.
Variant type: single nucleotide variant.
Coding change: c.948G>C on transcript NM_021971.4 (MANE Select); coding-DNA position 948, G replaced by C.
Protein change: p.Gln316His; replaces glutamine 316 with histidine.
Molecular consequence: missense variant.
Genome position (GRCh38, 1-based): chr3:49,721,968, C>G on the plus strand (G>C on the coding strand, the complement: GMPPB is on the minus strand). VCF-style: chr3-49721968-C-G. GRCh37 (hg19) VCF-style: chr3-49759401-C-G.
Other names: c.948G>C, p.Gln316His (NM_013334.4); short protein forms Q316H.
Identifiers: ClinVar variation 1709578 (VCV001709578.2), dbSNP rs1436735276, ClinGen allele CA352826747.
Genomic context (GRCh38, chr3:49,721,968, plus strand): 5'-AGGGAGGCAGGCACACTCCCCGCCCCTCTCCCCACCCAGCCCAGCCCACAGGCTTACCCA[C>G]TGACCCACGCGGCAGCGCCAGCCCACAATGCAGGACTCAAGCCAGGAATGGGAACGGATC-3'
Protein context (NP_068806.2, residues 306-326): CIVGWRCRVG[Gln316His]WVRMENVTVL

ClinVar aggregate classification (germline): Uncertain significance (1 of 4 stars; one submission).

Conditions:
Muscular dystrophy-dystroglycanopathy (congenital with brain and eye anomalies), type A14. Also called: WALKER-WARBURG SYNDROME OR MUSCLE-EYE-BRAIN DISEASE, GMPPB-RELATED; Muscular dystrophy-dystroglycanopathy (congenital with brain and eye anomalies), type a, 14; Congenital Muscular Dystrophy-Dystroglycanopathy with Brain and Eye Anomalies Type A 14; Congenital muscular dystrophy-dystroglycanopathy with brain and eye anomalies, type A14. Identifiers: Orphanet 588, MedGen C3809216, MONDO:0014140, OMIM 615350.

Allele frequency attached by ClinVar (database versions not stated): gnomAD exomes below 0.00001.

Submission:

MGZ Medical Genetics Center
Classification: Uncertain significance for Muscular dystrophy-dystroglycanopathy (congenital with brain and eye anomalies), type A14. Last evaluated: 2022-07-26. Review status: criteria provided, single submitter. Criteria: ACMG Guidelines, 2015. Collection method: clinical testing. Allele origin: germline. Affected: yes. Observed: 2 variant alleles.
Comment: ACMG criteria applied: PM2_SUP, BP4